The following is an entry in ClinVar:

NM_001080453.3(INTS1):c.3550A>G (p.Ser1184Gly)

Gene: INTS1 (integrator complex subunit 1; minus strand). Cytogenetic location: 7p22.3.
Variant type: single nucleotide variant.
Coding change: c.3550A>G on transcript NM_001080453.3 (MANE Select); coding-DNA position 3550, A replaced by G.
Protein change: p.Ser1184Gly; replaces serine 1184 with glycine.
Molecular consequence: missense variant.
Genome position (GRCh38, 1-based): chr7:1,482,699, T>C on the plus strand (A>G on the coding strand, the complement: INTS1 is on the minus strand). VCF-style: chr7-1482699-T-C. GRCh37 (hg19) VCF-style: chr7-1522335-T-C.
Other names: short protein forms S1184G.
Identifiers: ClinVar variation 1683992 (VCV001683992.3), dbSNP rs756634300, ClinGen allele CA4119206.

ClinVar aggregate classification (germline): Uncertain significance (1 of 4 stars; one submission).

Allele frequency attached by ClinVar (database versions not stated): ExAC 0.00001; gnomAD exomes 0.00001; TOPMed 0.00001; gnomAD 0.00002.
gnomAD v4.1: 16 of 1,612,484 alleles (0.00099%); highest among the groups gnomAD compares: Middle Eastern, 0.016%; no homozygotes.

Submission:

GeneDx
Classification: Uncertain significance. Last evaluated: 2024-09-17. Review status: criteria provided, single submitter. Criteria: GeneDx Variant Classification Process June 2021. Collection method: clinical testing. Allele origin: germline. Affected: yes.
Comment: Not observed at significant frequency in large population cohorts (gnomAD); In silico analysis supports that this missense variant does not alter protein structure/function; Has not been previously published as pathogenic or benign to our knowledge; In silico analysis is inconclusive as to whether the variant alters gene splicing. In the absence of RNA/functional studies, the actual effect of this sequence change is unknown.